The following is an entry in ClinVar:

NM_006648.4(WNK2):c.4237A>G (p.Thr1413Ala)

Gene: WNK2 (WNK lysine deficient protein kinase 2; plus strand). Cytogenetic location: 9q22.31.
Variant type: single nucleotide variant.
Coding change: c.4237A>G on transcript NM_006648.4 (MANE Select); coding-DNA position 4237, A replaced by G.
Protein change: p.Thr1413Ala; replaces threonine 1413 with alanine.
Molecular consequence: missense variant.
Genome position (GRCh38, 1-based): chr9:93,288,991, A>G. VCF-style: chr9-93288991-A-G. GRCh37 (hg19) VCF-style: chr9-96051273-A-G.
Other names: c.4348A>G, p.Thr1450Ala (NM_001282394.3); short protein forms T1413A, T1450A.
Identifiers: ClinVar variation 4605241 (VCV004605241.1).

ClinVar aggregate classification (germline): Uncertain significance (1 of 4 stars; one submission).

gnomAD v4.1: 2 of 1,601,886 alleles (0.00012%); highest among the groups gnomAD compares: African/African-American, 0.0027%; no homozygotes.

Submission:

Ambry Genetics
Classification: Uncertain significance. Last evaluated: 2025-10-11. Review status: criteria provided, single submitter. Criteria: Ambry Variant Classification Scheme 2023. Collection method: clinical testing. Allele origin: germline.
Comment: The p.T1413A variant (also known as c.4237A>G), located in coding exon 19 of the WNK2 gene, results from an A to G substitution at nucleotide position 4237. The threonine at codon 1413 is replaced by alanine, an amino acid with similar properties. This amino acid position is conserved. In addition, this alteration is predicted to be tolerated by in silico analysis. Based on the available evidence, the clinical significance of this variant remains unclear.